The following is an entry in ClinVar:

NM_025257.3(SLC44A4):c.359G>T (p.Cys120Phe)

Gene: SLC44A4 (solute carrier family 44 member 4; minus strand). Cytogenetic location: 6p21.33.
Variant type: single nucleotide variant.
Coding change: c.359G>T on transcript NM_025257.3 (MANE Select); coding-DNA position 359, G replaced by T.
Protein change: p.Cys120Phe; replaces cysteine 120 with phenylalanine.
Molecular consequence: missense variant. On other transcripts: intron variant (1).
Genome position (GRCh38, 1-based): chr6:31,874,830, C>A on the plus strand (G>T on the coding strand, the complement: SLC44A4 is on the minus strand). VCF-style: chr6-31874830-C-A. GRCh37 (hg19) VCF-style: chr6-31842607-C-A.
Other names: c.131G>T, p.Cys44Phe (NM_001178045.2); c.359G>T, p.Cys120Phe (NM_032794.1); c.342+99G>T (NM_001178044.2); short protein forms C120F, C44F.
Identifiers: ClinVar variation 3018236 (VCV003018236.3), dbSNP rs779729657, ClinGen allele CA3725723.
Genomic context (GRCh38, chr6:31,874,830, plus strand): 5'-AAGACTTCCCCAACAGTCTGTGAGAACTCGTTTTTTCCCACAGTCCATGGGTCCTCCGGG[C>A]AGGAGGACACACACACCTGGGTGCAGAGAGAACACTAAGGGGCTGGAACCTGAGACCCTG-3'
Protein context (NP_079533.2, residues 110-130): CPTPQVCVSS[Cys120Phe]PEDPWTVGKN

ClinVar aggregate classification (germline): Uncertain significance (1 of 4 stars; one submission).

Allele frequency attached by ClinVar (database versions not stated): ExAC 0.00001.
gnomAD v4.1: 3 of 1,612,562 alleles (0.00019%); highest among the groups gnomAD compares: Admixed American, 0.0017%; no homozygotes.

Submission:

Labcorp Genetics (formerly Invitae), Labcorp
Classification: Uncertain significance. Last evaluated: 2025-12-01. Review status: criteria provided, single submitter. Criteria: Invitae Variant Classification Sherloc (09022015). Collection method: clinical testing. Allele origin: germline.
Comment: This sequence change replaces cysteine, which is neutral and slightly polar, with phenylalanine, which is neutral and non-polar, at codon 120 of the SLC44A4 protein (p.Cys120Phe). The frequency data for this variant in the population databases is considered unreliable, as metrics indicate poor data quality at this position in the gnomAD database. This variant has not been reported in the literature in individuals affected with SLC44A4-related conditions. ClinVar contains an entry for this variant (Variation ID: 3018236). Invitae Evidence Modeling of protein sequence and biophysical properties (such as structural, functional, and spatial information, amino acid conservation, physicochemical variation, residue mobility, and thermodynamic stability) indicates that this missense variant is expected to disrupt SLC44A4 protein function with a positive predictive value of 80%. In summary, the available evidence is currently insufficient to determine the role of this variant in disease. Therefore, it has been classified as a Variant of Uncertain Significance.